The following is an entry in ClinVar:

NM_003200.5(TCF3):c.809A>G (p.Gln270Arg)

Gene: TCF3 (transcription factor 3; minus strand). Cytogenetic location: 19p13.3.
Variant type: single nucleotide variant.
Coding change: c.809A>G on transcript NM_003200.5 (MANE Select); coding-DNA position 809, A replaced by G.
Protein change: p.Gln270Arg; replaces glutamine 270 with arginine.
Molecular consequence: missense variant.
Genome position (GRCh38, 1-based): chr19:1,622,067, T>C on the plus strand (A>G on the coding strand, the complement: TCF3 is on the minus strand). VCF-style: chr19-1622067-T-C. GRCh37 (hg19) VCF-style: chr19-1622066-T-C.
Other names: c.809A>G, p.Gln270Arg (NM_001136139.4, NM_001351778.2, NM_001351779.2); short protein forms Q270R.
Identifiers: ClinVar variation 2776245 (VCV002776245.3), dbSNP rs2513656892, ClinGen allele CA403055435.
Genomic context (GRCh38, chr19:1,622,067, plus strand): 5'-GCACTGCCACCCTCCGCCCACCCCCTGCCCCCTGCCCTGGGTCCTACCATACGCTCGTGC[T>C]GGTGCAGGCCACCAAACGTGCTGCTGCTTCCACTGCTGCCCACCGGGCCGCTACCGGGCG-3'
Protein context (NP_003191.1, residues 260-280): GSSSTFGGLH[Gln270Arg]HERMGYQLHG

ClinVar aggregate classification (germline): Uncertain significance (1 of 4 stars; one submission).

Submission:

Labcorp Genetics (formerly Invitae), Labcorp
Classification: Uncertain significance. Last evaluated: 2023-08-17. Review status: criteria provided, single submitter. Criteria: Invitae Variant Classification Sherloc (09022015). Collection method: clinical testing. Allele origin: germline.
Comment: In summary, the available evidence is currently insufficient to determine the role of this variant in disease. Therefore, it has been classified as a Variant of Uncertain Significance. Advanced modeling of protein sequence and biophysical properties (such as structural, functional, and spatial information, amino acid conservation, physicochemical variation, residue mobility, and thermodynamic stability) performed at Invitae indicates that this missense variant is not expected to disrupt TCF3 protein function. This variant has not been reported in the literature in individuals affected with TCF3-related conditions. This variant is not present in population databases (gnomAD no frequency). This sequence change replaces glutamine, which is neutral and polar, with arginine, which is basic and polar, at codon 270 of the TCF3 protein (p.Gln270Arg).